The following is an entry in ClinVar:

ClinVar aggregate classification (germline): Uncertain significance (1 of 4 stars; one submission).

Allele frequency attached by ClinVar (database versions not stated): gnomAD exomes below 0.00001.
gnomAD v4.1: 2 of 1,613,642 alleles (0.00012%); highest among the groups gnomAD compares: South Asian, 0.0022%; no homozygotes.

Submission:

GeneDx
Classification: Uncertain significance. Last evaluated: 2022-03-10. Review status: criteria provided, single submitter. Criteria: GeneDx Variant Classification Process June 2021. Collection method: clinical testing. Allele origin: germline. Affected: yes.
Comment: Not observed at significant frequency in large population cohorts (gnomAD); In silico analysis supports that this missense variant does not alter protein structure/function; In silico analysis, which includes splice predictors and evolutionary conservation, suggests this variant may impact gene splicing. In the absence of RNA/functional studies, the actual effect of this sequence change is unknown.; Has not been previously published as pathogenic or benign to our knowledge

NM_018896.5(CACNA1G):c.6658G>A (p.Glu2220Lys)

Gene: CACNA1G (calcium voltage-gated channel subunit alpha1 G; plus strand). Cytogenetic location: 17q21.33.
Variant type: single nucleotide variant.
Coding change: c.6658G>A on transcript NM_018896.5 (MANE Select); coding-DNA position 6658, G replaced by A.
Protein change: p.Glu2220Lys; replaces glutamic acid 2220 with lysine.
Molecular consequence: missense variant. On other transcripts: non-coding transcript variant (5), intron variant (3).
Genome position (GRCh38, 1-based): chr17:50,626,275, G>A. VCF-style: chr17-50626275-G-A. GRCh37 (hg19) VCF-style: chr17-48703636-G-A.
Other names: c.6469G>A, p.Glu2157Lys (NM_001256324.2); c.6400G>A, p.Glu2134Lys (NM_001256325.2); c.6388G>A, p.Glu2130Lys (NM_001256326.2); c.6358G>A, p.Glu2120Lys (NM_001256327.2); c.6304G>A, p.Glu2102Lys (NM_001256328.2); c.6277G>A, p.Glu2093Lys (NM_001256329.2, NM_198387.3); c.6244G>A, p.Glu2082Lys (NM_001256330.2); c.6223G>A, p.Glu2075Lys (NM_001256331.2); and 18 more; short protein forms E2070K, E2075K, E2082K, E2086K, E2089K, E2091K, E2093K, E2100K.
Identifiers: ClinVar variation 1704957 (VCV001704957.2), dbSNP rs1382514308, ClinGen allele CA400237905.